The following is an entry in ClinVar:

ClinVar aggregate classification (germline): Likely benign. Review status: criteria provided, multiple submitters, no conflicts (2 of 4 stars). 2 submissions from 2 submitters: Likely benign (2). Last evaluated 2024-12-18.

Conditions:
HECTD4-related disorder. Also called: HECTD4-related condition.

Allele frequency attached by ClinVar (database versions not stated): 1000 Genomes Project 0.00060; 1000 Genomes Project 30x 0.00062; ExAC 0.00143; TOPMed 0.00151; gnomAD 0.00157; ESP Exome Variant Server 0.00238; gnomAD exomes 0.00259.
gnomAD v4.1: 3,954 of 1,613,960 alleles (0.24%); highest among the groups gnomAD compares: Non-Finnish European, 0.31%; 12 homozygotes.

Submissions (2):

PreventionGenetics, part of Exact Sciences
Classification: Likely benign for HECTD4-related condition. Last evaluated: 2024-12-18. Review status: criteria provided, single submitter. Criteria: ACMG Guidelines, 2015. Collection method: clinical testing. Allele origin: germline.
Comment: This variant is classified as likely benign based on ACMG/AMP sequence variant interpretation guidelines (Richards et al. 2015 PMID: 25741868, with internal and published modifications).

CeGaT Center for Human Genetics Tuebingen
Classification: Likely benign. Last evaluated: 2024-11-01. Review status: criteria provided, single submitter. Criteria: CeGaT Center For Human Genetics Tuebingen Variant Classification Criteria Version 2. Collection method: clinical testing. Allele origin: germline. Affected: yes. Observed: 2 variant alleles.
Comment: HECTD4: BS2

NM_001388303.1(HECTD4):c.11962G>A (p.Val3988Met)

Gene: HECTD4 (HECT domain E3 ubiquitin protein ligase 4; minus strand). Cytogenetic location: 12q24.13.
Variant type: single nucleotide variant.
Coding change: c.11962G>A on transcript NM_001388303.1 (MANE Select); coding-DNA position 11962, G replaced by A.
Protein change: p.Val3988Met; replaces valine 3988 with methionine.
Molecular consequence: missense variant.
Genome position (GRCh38, 1-based): chr12:112,170,423, C>T on the plus strand (G>A on the coding strand, the complement: HECTD4 is on the minus strand). VCF-style: chr12-112170423-C-T. GRCh37 (hg19) VCF-style: chr12-112608227-C-T.
Other names: c.11992G>A, p.Val3998Met (NM_001109662.4); c.11560G>A (NM_001109662.3); short protein forms V3988M, V3998M.
Identifiers: ClinVar variation 3234176 (VCV003234176.21), dbSNP rs186884971, ClinGen allele CA6795787.
Genomic context (GRCh38, chr12:112,170,423, plus strand): 5'-TCTCAGGGGCCGCGTGGTCCGCTGTCCTCTGCACAGTGGCATTCAGCACTCGATTCATCA[C>T]GGTCACCTTCGTGTCATAGAAGATCAGCCCTAAGGAGAGGAACGTGGGAGAGGCTTGGGT-3'
Protein context (NP_001375232.1, residues 3978-3998): GLIFYDTKVT[Val3988Met]MNRVLNATVQ